The following is an entry in ClinVar:

ClinVar aggregate classification (germline): Uncertain significance (1 of 4 stars; one submission).

Conditions:
Hypertrophic cardiomyopathy 8. Also called: CARDIOMYOPATHY, HYPERTROPHIC, MID-LEFT VENTRICULAR CHAMBER TYPE, 1; MYL3-Related Familial Hypertrophic Cardiomyopathy. Identifiers: MedGen C1837471, MONDO:0012111, OMIM 608751.

Submission:

MVZ Medizinische Genetik Mainz
Classification: Uncertain significance for Hypertrophic cardiomyopathy 8. Last evaluated: 2025-10-17. Review status: criteria provided, single submitter. Criteria: UK Practice Guidelines For Variant Classification V4 01 2020. Collection method: clinical testing. Allele origin: germline. Inheritance: Autosomal dominant inheritance. Affected: yes. Observed: 1 variant allele.
Comment: ACMG Criteria: PM2_SUP,PP3

NM_000258.3(MYL3):c.463C>A (p.His155Asn)

Gene: MYL3 (myosin light chain 3; minus strand). Cytogenetic location: 3p21.31.
Variant type: single nucleotide variant.
Coding change: c.463C>A on transcript NM_000258.3 (MANE Select); coding-DNA position 463, C replaced by A.
Protein change: p.His155Asn; replaces histidine 155 with asparagine.
Molecular consequence: missense variant.
Genome position (GRCh38, 1-based): chr3:46,859,493, G>T on the plus strand (C>A on the coding strand, the complement: MYL3 is on the minus strand). VCF-style: chr3-46859493-G-T. GRCh37 (hg19) VCF-style: chr3-46900983-G-T.
Other names: c.463C>A, p.His155Asn (NM_001406937.1, NM_001406938.1, NM_001406939.1); c.289C>A, p.His97Asn (NM_001406940.1, NM_001406941.1); short protein forms H155N, H97N.
Identifiers: ClinVar variation 4532227 (VCV004532227.1).